The following is an entry in ClinVar:

ClinVar aggregate classification (germline): Uncertain significance (1 of 4 stars; one submission).

Allele frequency attached by ClinVar (database versions not stated): gnomAD exomes below 0.00001.
gnomAD v4.1: 1 of 1,613,666 alleles (0.000062%); highest among the groups gnomAD compares: Non-Finnish European, 0.000085%; no homozygotes.

Submission:

Labcorp Genetics (formerly Invitae), Labcorp
Classification: Uncertain significance. Last evaluated: 2022-10-13. Review status: criteria provided, single submitter. Criteria: Invitae Variant Classification Sherloc (09022015). Collection method: clinical testing. Allele origin: germline.
Comment: In summary, the available evidence is currently insufficient to determine the role of this variant in disease. Therefore, it has been classified as a Variant of Uncertain Significance. Advanced modeling of protein sequence and biophysical properties (such as structural, functional, and spatial information, amino acid conservation, physicochemical variation, residue mobility, and thermodynamic stability) performed at Invitae indicates that this missense variant is not expected to disrupt RP1L1 protein function. ClinVar contains an entry for this variant (Variation ID: 1392900). This variant has not been reported in the literature in individuals affected with RP1L1-related conditions. This variant is not present in population databases (gnomAD no frequency). This sequence change replaces leucine, which is neutral and non-polar, with serine, which is neutral and polar, at codon 129 of the RP1L1 protein (p.Leu129Ser).

NM_178857.6(RP1L1):c.386T>C (p.Leu129Ser)

Gene: RP1L1 (RP1 like 1). Cytogenetic location: 8p23.1.
Variant type: single nucleotide variant.
Coding change: c.386T>C on transcript NM_178857.6 (MANE Select); coding-DNA position 386, T replaced by C.
Protein change: p.Leu129Ser; replaces leucine 129 with serine.
Molecular consequence: missense variant.
Genome position (GRCh38, 1-based): chr8:10,622,816, A>G on the plus strand (T>C on the coding strand, the complement: RP1L1 is on the minus strand). VCF-style: chr8-10622816-A-G. GRCh37 (hg19) VCF-style: chr8-10480326-A-G.
Other names: short protein forms L129S.
Identifiers: ClinVar variation 1392900 (VCV001392900.8), dbSNP rs1798086332, ClinGen allele CA370300328.
Genomic context (GRCh38, chr8:10,622,816, plus strand): 5'-TTAAGACTCTTCCGGGAGGAGGAGGTGCCTGGGGCTTCACGCTGGCCTTCGACATCCCGC[A>G]ACTGCTGAGCAGTGGGGTTTCTCTCCTGTGGCCGGCCTGGTCCACTGGGGGTCTTGGGGG-3'
Protein context (NP_849188.4, residues 119-139): PQERNPTAQQ[Leu129Ser]RDVEGQREAP